The following is an entry in ClinVar:

ClinVar aggregate classification (germline): Pathogenic (1 of 4 stars; one submission).

Conditions:
Nemaline myopathy 2 (NEM2). Also called: Nemaline myopathy 2, autosomal recessive. Identifiers: MedGen C1850569, MONDO:0009725, OMIM 256030.

Submission:

Labcorp Genetics (formerly Invitae), Labcorp
Classification: Pathogenic for Nemaline myopathy 2. Last evaluated: 2023-04-07. Review status: criteria provided, single submitter. Criteria: Invitae Variant Classification Sherloc (09022015). Collection method: clinical testing. Allele origin: germline.
Comment: This variant occurs in a region of NEB (Exons 82-105) consisting of three highly homologous 8-exon repeat units (exons 82-89, exons 90-97, exons 98-105). Sequence variants in this region can be detected, but this assay cannot determine which of the three repeat units is affected, and zygosity is often ambiguous. All variants in this region are reported relative to the exon 82-89 repeat. For these reasons, this variant has been classified as Pathogenic. This variant has not been reported in the literature in individuals affected with NEB-related conditions. The frequency data for this variant in the population databases (gnomAD) is considered unreliable due to the presence of homologous sequence, such as pseudogenes or paralogs, in the genome. This sequence change creates a premature translational stop signal (p.Ile4237Glnfs*12) in the NEB gene. It is expected to result in an absent or disrupted protein product. Loss-of-function variants in NEB are known to be pathogenic (PMID: 25205138).

Literature cited by the submitters: PubMed 25205138.

NM_001164508.2(NEB):c.12709_12710del (p.Ile4237fs)

Gene: NEB (nebulin; minus strand). Cytogenetic location: 2q23.3.
Variant type: Deletion.
Coding change: c.12709_12710del on transcript NM_001164508.2 (MANE Select); coding-DNA positions 12709 to 12710, 2 bases deleted (AT; older notation c.12709_12710delAT).
Protein change: p.Ile4237fs; shifts the reading frame from isoleucine 4237.
Molecular consequence: frameshift variant. On other transcripts: intron variant (1).
Genome position (GRCh38, 1-based): chr2:151,606,643-151,606,644, AT deleted on the plus strand (AT on the coding strand, the reverse complement: NEB is on the minus strand). VCF-style (leftmost placement, unchanged base first): chr2-151606642-GAT-G. GRCh37 (hg19) VCF-style: chr2-152463156-GAT-G.
Other names: c.12709_12710del, p.Ile4237fs (NM_001164507.2, NM_001271208.2); c.11601+3165_11601+3166del (NM_004543.5); short protein forms I4237fs.
Identifiers: ClinVar variation 2853453 (VCV002853453.3), dbSNP rs2552225123, ClinGen allele CA2739271385.